The following is an entry in ClinVar:

ClinVar aggregate classification (germline): Uncertain significance (1 of 4 stars; one submission).

Conditions:
Fibrous dysplasia of jaw (CRBM). Also called: Cherubism. Identifiers: Orphanet 184, MedGen C0008029, MONDO:0007315, OMIM 118400.

gnomAD v4.1: 4 of 1,613,172 alleles (0.00025%); highest among the groups gnomAD compares: East Asian, 0.0045%; no homozygotes.

Submission:

Labcorp Genetics (formerly Invitae), Labcorp
Classification: Uncertain significance for Fibrous dysplasia of jaw. Last evaluated: 2025-06-11. Review status: criteria provided, single submitter. Criteria: Invitae Variant Classification Sherloc (09022015). Collection method: clinical testing. Allele origin: germline.
Comment: This sequence change replaces proline, which is neutral and non-polar, with alanine, which is neutral and non-polar, at codon 258 of the SH3BP2 protein (p.Pro258Ala). This variant is not present in population databases (gnomAD no frequency). This variant has not been reported in the literature in individuals affected with SH3BP2-related conditions. Invitae Evidence Modeling of protein sequence and biophysical properties (such as structural, functional, and spatial information, amino acid conservation, physicochemical variation, residue mobility, and thermodynamic stability) indicates that this missense variant is not expected to disrupt SH3BP2 protein function with a negative predictive value of 80%. In summary, the available evidence is currently insufficient to determine the role of this variant in disease. Therefore, it has been classified as a Variant of Uncertain Significance.

NM_001122681.2(SH3BP2):c.772C>G (p.Pro258Ala)

Gene: SH3BP2 (SH3 domain binding protein 2; plus strand). Cytogenetic location: 4p16.3.
Variant type: single nucleotide variant.
Coding change: c.772C>G on transcript NM_001122681.2 (MANE Select); coding-DNA position 772, C replaced by G.
Protein change: p.Pro258Ala; replaces proline 258 with alanine.
Molecular consequence: missense variant.
Genome position (GRCh38, 1-based): chr4:2,829,678, C>G. VCF-style: chr4-2829678-C-G. GRCh37 (hg19) VCF-style: chr4-2831405-C-G.
Other names: c.856C>G, p.Pro286Ala (NM_001145855.2); c.943C>G, p.Pro315Ala (NM_001145856.2); c.772C>G, p.Pro258Ala (NM_003023.4); short protein forms P258A, P315A, P286A.
Identifiers: ClinVar variation 4703762 (VCV004703762.1).
Genomic context (GRCh38, chr4:2,829,678, plus strand): 5'-CCGCCCCCTAAGCACGGCCTCCCAGATGTTGGCCTGGCTGCTGAGGACTCCAAGAGGGAC[C>G]CACTGTGCCCGAGGCGGGCTGAGCCTTGCCCCAGGGTACCTGCTACCCCCCGAAGGATGA-3'
Protein context (NP_001116153.1, residues 248-268): GLAAEDSKRD[Pro258Ala]LCPRRAEPCP